The following is an entry in ClinVar:

ClinVar aggregate classification (germline): Uncertain significance (1 of 4 stars; one submission).

Allele frequency attached by ClinVar (database versions not stated): gnomAD exomes below 0.00001.

Submission:

GeneDx
Classification: Uncertain significance. Last evaluated: 2022-07-25. Review status: criteria provided, single submitter. Criteria: GeneDx Variant Classification Process June 2021. Collection method: clinical testing. Allele origin: germline. Affected: yes.
Comment: Not observed at significant frequency in large population cohorts (gnomAD); In silico analysis supports that this missense variant does not alter protein structure/function; Has not been previously published as pathogenic or benign to our knowledge

NM_020795.4(NLGN2):c.408C>G (p.Asn136Lys)

Gene: NLGN2 (neuroligin 2; plus strand). Cytogenetic location: 17p13.1.
Variant type: single nucleotide variant.
Coding change: c.408C>G on transcript NM_020795.4 (MANE Select); coding-DNA position 408, C replaced by G.
Protein change: p.Asn136Lys; replaces asparagine 136 with lysine.
Molecular consequence: missense variant.
Genome position (GRCh38, 1-based): chr17:7,408,663, C>G. VCF-style: chr17-7408663-C-G. GRCh37 (hg19) VCF-style: chr17-7311982-C-G.
Other names: short protein forms N136K.
Identifiers: ClinVar variation 2413050 (VCV002413050.1), dbSNP rs2507716808, ClinGen allele CA397815102.